The following is an entry in ClinVar:

ClinVar aggregate classification (germline): Pathogenic (1 of 4 stars; one submission).

Conditions:
Familial X-linked hypophosphatemic vitamin D refractory rickets (XLHRD). Also called: HYPOPHOSPHATEMIC VITAMIN D-RESISTANT RICKETS; X-Linked Hypophosphatemia; Hypophosphatemia, vitamin D-resistant rickets; Vitamin D-resistant rickets, X-linked; Hypophosphatemic Rickets, X-Linked Dominant. Identifiers: Orphanet 89936, MedGen C0733682, MONDO:0010619, OMIM 307800.

gnomAD v4.1: 1 of 1,182,504 alleles (0.000085%); highest among the groups gnomAD compares: Non-Finnish European, 0.00012%; no homozygotes.

Submission:

Juno Genomics, Hangzhou Juno Genomics, Inc
Classification: Pathogenic for Familial X-linked hypophosphatemic vitamin D refractory rickets. Review status: criteria provided, single submitter. Criteria: ACMG Guidelines, 2015. Collection method: clinical testing. Allele origin: germline. Affected: yes.
Comment: Absent from controls (or at extremely low frequency if recessive) in Genome Aggregation Database, Exome Sequencing Project, 1000 Genomes Project, or Exome Aggregation Consortium.;Null variant in a gene where loss of function (LOF) is a known mechanism of disease.;Patient's phenotype or family history is highly specific for a disease with a single genetic etiology.

NM_000444.6(PHEX):c.419C>A (p.Ser140Ter)

Gene: PHEX (phosphate regulating endopeptidase X-linked; plus strand). Cytogenetic location: Xp22.11.
Variant type: single nucleotide variant.
Coding change: c.419C>A on transcript NM_000444.6 (MANE Select); coding-DNA position 419, C replaced by A.
Protein change: p.Ser140Ter; replaces serine 140 with a stop codon.
Molecular consequence: nonsense.
Genome position (GRCh38, 1-based): chrX:22,076,457, C>A. VCF-style: chrX-22076457-C-A. GRCh37 (hg19) VCF-style: chrX-22094575-C-A.
Other names: c.419C>A, p.Ser140Ter (NM_001282754.2); short protein forms S140*.
Identifiers: ClinVar variation 3382100 (VCV003382100.2).